The following is an entry in ClinVar:

NM_178857.6(RP1L1):c.377C>A (p.Ala126Asp)

Gene: RP1L1 (RP1 like 1). Cytogenetic location: 8p23.1.
Variant type: single nucleotide variant.
Coding change: c.377C>A on transcript NM_178857.6 (MANE Select); coding-DNA position 377, C replaced by A.
Protein change: p.Ala126Asp; replaces alanine 126 with aspartic acid.
Molecular consequence: missense variant.
Genome position (GRCh38, 1-based): chr8:10,622,825, G>T on the plus strand (C>A on the coding strand, the complement: RP1L1 is on the minus strand). VCF-style: chr8-10622825-G-T. GRCh37 (hg19) VCF-style: chr8-10480335-G-T.
Other names: c.377C>A (NM_178857.5); short protein forms A126D.
Identifiers: ClinVar variation 1348498 (VCV001348498.7), dbSNP rs1260749096, ClinGen allele CA370300360.
Genomic context (GRCh38, chr8:10,622,825, plus strand): 5'-TTCCGGGAGGAGGAGGTGCCTGGGGCTTCACGCTGGCCTTCGACATCCCGCAACTGCTGA[G>T]CAGTGGGGTTTCTCTCCTGTGGCCGGCCTGGTCCACTGGGGGTCTTGGGGGGCTTCTTAT-3'
Protein context (NP_849188.4, residues 116-136): PGRPQERNPT[Ala126Asp]QQLRDVEGQR

ClinVar aggregate classification (germline): Uncertain significance. Review status: criteria provided, multiple submitters, no conflicts (2 of 4 stars). 2 submissions from 2 submitters: Uncertain significance (2). Last evaluated 2023-08-21.

Conditions:
Inborn genetic diseases. Identifiers: MedGen C0950123, MeSH D030342.

Allele frequency attached by ClinVar (database versions not stated): TOPMed 0.00001; gnomAD 0.00002.
gnomAD v4.1: 49 of 1,613,460 alleles (0.003%); highest among the groups gnomAD compares: Non-Finnish European, 0.004%; no homozygotes.

Submissions (2):

Ambry Genetics
Classification: Uncertain significance for Inborn genetic diseases. Last evaluated: 2023-08-21. Review status: criteria provided, single submitter. Criteria: Ambry Variant Classification Scheme 2023. Collection method: clinical testing. Allele origin: germline.

Labcorp Genetics (formerly Invitae), Labcorp
Classification: Uncertain significance. Last evaluated: 2022-06-20. Review status: criteria provided, single submitter. Criteria: Invitae Variant Classification Sherloc (09022015). Collection method: clinical testing. Allele origin: germline.
Comment: In summary, the available evidence is currently insufficient to determine the role of this variant in disease. Therefore, it has been classified as a Variant of Uncertain Significance. Advanced modeling of protein sequence and biophysical properties (such as structural, functional, and spatial information, amino acid conservation, physicochemical variation, residue mobility, and thermodynamic stability) performed at Invitae indicates that this missense variant is not expected to disrupt RP1L1 protein function. This variant has not been reported in the literature in individuals affected with RP1L1-related conditions. This variant is present in population databases (no rsID available, gnomAD 0.004%). This sequence change replaces alanine, which is neutral and non-polar, with aspartic acid, which is acidic and polar, at codon 126 of the RP1L1 protein (p.Ala126Asp).